The following is an entry in ClinVar:

ClinVar aggregate classification (germline): Uncertain significance (1 of 4 stars; one submission).

gnomAD v4.1: 131 of 1,528,608 alleles (0.0086%); highest among the groups gnomAD compares: African/African-American, 0.14%; 1 homozygote.

Submission:

Labcorp Genetics (formerly Invitae), Labcorp
Classification: Uncertain significance. Last evaluated: 2025-05-06. Review status: criteria provided, single submitter. Criteria: Invitae Variant Classification Sherloc (09022015). Collection method: clinical testing. Allele origin: germline.
Comment: The FMN1 gene has multiple clinically relevant transcripts. This variant occurs in alternate transcript NM_001277314.1, and corresponds to NM_001103184.3:c.-87027G>C in the primary transcript. This sequence change replaces glutamic acid, which is acidic and polar, with glutamine, which is neutral and polar, at codon 2 of the FMN1 protein (p.Glu2Gln). This variant is present in population databases (rs529881403, gnomAD 0.08%), and has an allele count higher than expected for a pathogenic variant. This variant has not been reported in the literature in individuals affected with FMN1-related conditions. Experimental studies and prediction algorithms are not available or were not evaluated, and the functional significance of this variant is currently unknown. In summary, the available evidence is currently insufficient to determine the role of this variant in disease. Therefore, it has been classified as a Variant of Uncertain Significance.

NM_001277313.2(FMN1):c.4G>C (p.Glu2Gln)

Gene: FMN1 (formin 1; minus strand). Cytogenetic location: 15q13.3.
Variant type: single nucleotide variant.
Coding change: c.4G>C on transcript NM_001277313.2 (MANE Select); coding-DNA position 4, G replaced by C.
Protein change: p.Glu2Gln; replaces glutamic acid 2 with glutamine.
Molecular consequence: missense variant.
Genome position (GRCh38, 1-based): chr15:33,154,911, C>G on the plus strand (G>C on the coding strand, the complement: FMN1 is on the minus strand). VCF-style: chr15-33154911-C-G. GRCh37 (hg19) VCF-style: chr15-33447112-C-G.
Other names: c.4G>C, p.Glu2Gln (NM_001277314.2); short protein forms E2Q.
Identifiers: ClinVar variation 4753181 (VCV004753181.1).